The following is an entry in ClinVar:

NM_001283009.2(RTEL1):c.466A>G (p.Asn156Asp)

Genes: RTEL1 (regulator of telomere elongation helicase 1; plus strand), RTEL1-TNFRSF6B (RTEL1-TNFRSF6B readthrough (NMD candidate); plus strand). Cytogenetic location: 20q13.33.
Variant type: single nucleotide variant.
Coding change: c.466A>G on transcript NM_001283009.2 (MANE Select); coding-DNA position 466, A replaced by G.
Protein change: p.Asn156Asp; replaces asparagine 156 with aspartic acid.
Molecular consequence: missense variant. On other transcripts: non-coding transcript variant (1), 5 prime UTR variant (1).
Genome position (GRCh38, 1-based): chr20:63,662,616, A>G. VCF-style: chr20-63662616-A-G. GRCh37 (hg19) VCF-style: chr20-62293969-A-G.
Other names: c.-204A>G (NM_001283010.1); c.466A>G, p.Asn156Asp (NM_016434.4); c.538A>G, p.Asn180Asp (NM_032957.5); short protein forms N180D, N156D.
Identifiers: ClinVar variation 4629611 (VCV004629611.1).

ClinVar aggregate classification (germline): Uncertain significance (1 of 4 stars; one submission).

Conditions:
Inborn genetic diseases. Identifiers: MedGen C0950123, MeSH D030342.

Submission:

Ambry Genetics
Classification: Uncertain significance for Inborn genetic diseases. Last evaluated: 2025-11-15. Review status: criteria provided, single submitter. Criteria: Ambry Variant Classification Scheme 2023. Collection method: clinical testing. Allele origin: germline.
Comment: The p.N156D variant (also known as c.466A>G), located in coding exon 4 of the RTEL1 gene, results from an A to G substitution at nucleotide position 466. The asparagine at codon 156 is replaced by aspartic acid, an amino acid with highly similar properties. This amino acid position is conserved. In addition, this alteration is predicted to be tolerated by in silico analysis. Based on the available evidence, the clinical significance of this variant remains unclear.